The following is an entry in ClinVar:

ClinVar aggregate classification (germline): Uncertain significance (1 of 4 stars; one submission).

Allele frequency attached by ClinVar (database versions not stated): gnomAD 0.00001; TOPMed 0.00001; ExAC 0.00002.
gnomAD v4.1: 37 of 1,594,382 alleles (0.0023%); highest among the groups gnomAD compares: Middle Eastern, 0.033%; 1 homozygote.

Submission:

Labcorp Genetics (formerly Invitae), Labcorp
Classification: Uncertain significance. Last evaluated: 2023-08-27. Review status: criteria provided, single submitter. Criteria: Invitae Variant Classification Sherloc (09022015). Collection method: clinical testing. Allele origin: germline.
Comment: This sequence change replaces arginine, which is basic and polar, with glutamine, which is neutral and polar, at codon 203 of the AUTS2 protein (p.Arg203Gln). This variant is present in population databases (rs776704660, gnomAD 0.01%). This variant has not been reported in the literature in individuals affected with AUTS2-related conditions. ClinVar contains an entry for this variant (Variation ID: 2080041). Algorithms developed to predict the effect of missense changes on protein structure and function output the following: SIFT: "Not Available"; PolyPhen-2: "Probably Damaging"; Align-GVGD: "Not Available". The glutamine amino acid residue is found in multiple mammalian species, which suggests that this missense change does not adversely affect protein function. In summary, the available evidence is currently insufficient to determine the role of this variant in disease. Therefore, it has been classified as a Variant of Uncertain Significance.

NM_015570.4(AUTS2):c.608G>A (p.Arg203Gln)

Gene: AUTS2 (activator of transcription and developmental regulator AUTS2; plus strand). Cytogenetic location: 7q11.22.
Variant type: single nucleotide variant.
Coding change: c.608G>A on transcript NM_015570.4 (MANE Select); coding-DNA position 608, G replaced by A.
Protein change: p.Arg203Gln; replaces arginine 203 with glutamine.
Molecular consequence: missense variant.
Genome position (GRCh38, 1-based): chr7:70,118,217, G>A. VCF-style: chr7-70118217-G-A. GRCh37 (hg19) VCF-style: chr7-69583203-G-A.
Other names: c.608G>A, p.Arg203Gln (NM_001127231.3, NM_001127232.3); short protein forms R203Q.
Identifiers: ClinVar variation 2080041 (VCV002080041.4), dbSNP rs776704660, ClinGen allele CA4280357.